The following is an entry in ClinVar:

NM_005121.3(MED13):c.2978C>A (p.Pro993His)

Gene: MED13 (mediator complex subunit 13; minus strand). Cytogenetic location: 17q23.2.
Variant type: single nucleotide variant.
Coding change: c.2978C>A on transcript NM_005121.3 (MANE Select); coding-DNA position 2978, C replaced by A.
Protein change: p.Pro993His; replaces proline 993 with histidine.
Molecular consequence: missense variant.
Genome position (GRCh38, 1-based): chr17:61,983,025, G>T on the plus strand (C>A on the coding strand, the complement: MED13 is on the minus strand). VCF-style: chr17-61983025-G-T. GRCh37 (hg19) VCF-style: chr17-60060386-G-T.
Other names: short protein forms P993H.
Identifiers: ClinVar variation 1302355 (VCV001302355.2), dbSNP rs2143462003, ClinGen allele CA400505883.

ClinVar aggregate classification (germline): Uncertain significance (1 of 4 stars; one submission).

gnomAD v4.1: 1 of 1,613,968 alleles (0.000062%); highest among the groups gnomAD compares: Non-Finnish European, 0.000085%; no homozygotes.

Submission:

GeneDx
Classification: Uncertain significance. Last evaluated: 2019-08-23. Review status: criteria provided, single submitter. Criteria: GeneDx Variant Classification Process June 2021. Collection method: clinical testing. Allele origin: germline. Affected: yes.
Comment: Not observed in large population cohorts (Lek et al., 2016); In silico analysis, which includes protein predictors and evolutionary conservation, supports a deleterious effect; Has not been previously published as pathogenic or benign to our knowledge